The following is an entry in ClinVar:

ClinVar aggregate classification (germline): Pathogenic/Likely pathogenic. Review status: criteria provided, multiple submitters, no conflicts (2 of 4 stars). 2 submissions from 2 submitters: Pathogenic (1); Likely pathogenic (1). Last evaluated 2024-12-09.

Conditions:
Kury-Isidor syndrome (KURIS). Identifiers: MedGen C5676925, MONDO:0859230, OMIM 619762.

Submissions (2):

Institute of Medical Genetics and Applied Genomics, University Hospital Tübingen
Classification: Likely pathogenic for Kury-Isidor syndrome. Last evaluated: 2024-12-09. Review status: criteria provided, single submitter. Criteria: ACMG Guidelines, 2015. Collection method: clinical testing. Allele origin: germline. Inheritance: Autosomal dominant inheritance. Affected: yes.

Institute of Human Genetics, FAU Erlangen, Friedrich-Alexander-Universität Erlangen-Nürnberg
Classification: Pathogenic for Kury-Isidor syndrome. Last evaluated: 2024-01-02. Review status: criteria provided, single submitter. Criteria: Hauer et al. (Genet Med. 2018). Collection method: clinical testing. Allele origin: germline. Inheritance: Autosomal dominant inheritance. Affected: yes. Observed: 1 variant allele.
Comment: This variant has been identified by standard clinical testing. Selected ACMG criteria: Pathogenic (III):PP3;PP2;PM2;PM1;PS2

NM_004656.4(BAP1):c.275C>T (p.Ala92Val)

Genes: BAP1 (BRCA1 associated deubiquitinase 1; minus strand), PHF7 (PHD finger protein 7; plus strand). Cytogenetic location: 3p21.1.
Variant type: single nucleotide variant.
Coding change: c.275C>T on transcript NM_004656.4 (MANE Select); coding-DNA position 275, C replaced by T.
Protein change: p.Ala92Val; replaces alanine 92 with valine.
Molecular consequence: missense variant.
Genome position (GRCh38, 1-based): chr3:52,408,058, G>A on the plus strand (C>T on the coding strand, the complement: BAP1 is on the minus strand). VCF-style: chr3-52408058-G-A. GRCh37 (hg19) VCF-style: chr3-52442074-G-A.
Other names: c.275C>T, p.Ala92Val (NM_001410772.1); short protein forms A92V.
Identifiers: ClinVar variation 2681785 (VCV002681785.2), dbSNP rs2153228142, ClinGen allele CA353112578.